The following is an entry in ClinVar:

ClinVar aggregate classification (germline): Uncertain significance (1 of 4 stars; one submission).

Submission:

Women's Health and Genetics/Laboratory Corporation of America, LabCorp
Classification: Uncertain significance. Last evaluated: 2024-02-12. Review status: criteria provided, single submitter. Criteria: LabCorp Variant Classification Summary - May 2015. Collection method: clinical testing. Allele origin: germline.
Comment: Variant summary: The variant involves the duplication of exons 31-39 in the ARFGEF1 gene. A presumed nomenclature of c.(4338+1_4339-1)_(*1277_?)dup has been designated for the purposes of this classification. The exact breakpoint at the 3' end of this variant is unknown, therefore this duplication may extend downstream of the annotated region of the gene. It is assumed to be a tandem duplication in direct orientation (PMIDs: 25640679, 30054569). As it duplicates the termination codon, its effect on the encoded protein is unknown. A large duplication (size: ~112 kbp) which covers exons 31-39 of the ARFGEF1 gene together with a large DNA segment extending downstream of the gene (encompassing exons 9-29 of the CSPP1 gene) was found at a frequency of 0.00018 in 120780 control chromosomes (i.e. in 22 carriers) in the gnomAD database (Structural Variants v4.0 dataset). To our knowledge, no occurrence of c.(4338+1_4339-1)_(*1277_?)dup in individuals affected with Developmental Delay, Impaired Speech, And Behavioral Abnormalities, With Or Without Seizures and no experimental evidence demonstrating its impact on protein function have been reported. No submitters have cited clinical-significance assessments for this variant to ClinVar. Based on the evidence outlined above, the variant was classified as uncertain significance.

NC_000008.10:g.(?_68109892)_(68130374_68131665)dup

Gene: ARFGEF1 (ADP ribosylation factor guanine nucleotide exchange factor 1; minus strand). Cytogenetic location: 8q13.2.
Variant type: Duplication.
Identifiers: ClinVar variation 3069056 (VCV003069056.1).